The following is an entry in ClinVar:

ClinVar aggregate classification (germline): Pathogenic. Review status: no assertion criteria provided (0 of 4 stars). 2 submissions from 2 submitters: Pathogenic (2). Last evaluated 2012-01-22.

Conditions:
Pseudohypoaldosteronism type 2D (PHA2D). Also called: FAMILIAL HYPERKALEMIC HYPERTENSION; PSEUDOHYPOALDOSTERONISM, TYPE IID, AUTOSOMAL DOMINANT OR RECESSIVE; Pseudohypoaldosteronism Type IID. Identifiers: Orphanet 300525, Orphanet 757, MedGen C3469605, MONDO:0013781, OMIM 614495.
Pseudohypoaldosteronism type 2A (PHA2A). Also called: GORDON HYPERKALEMIA-HYPERTENSION SYNDROME; HYPERTENSIVE HYPERKALEMIA, FAMILIAL. Identifiers: Orphanet 757, Orphanet 88938, MedGen C1840389, MONDO:0007772, OMIM 145260.

Submissions (2):

OMIM
Classification: Pathogenic for PSEUDOHYPOALDOSTERONISM, TYPE IID, AUTOSOMAL RECESSIVE. Last evaluated: 2012-01-22. Review status: no assertion criteria provided. Collection method: literature only. Allele origin: germline.

Richard Lifton Laboratory, Yale University School of Medicine
Classification: Pathogenic for Pseudohypoaldosteronism, type 2. Review status: no assertion criteria provided. Collection method: not provided. Allele origin: germline.
Comment: recessive;Kelch propeller domain
ClinVar note: Converted during submission from pathogenic to Pathogenic.

Literature cited by the submitters: PubMed 22266938 (cited by OMIM).

NM_017415.3(KLHL3):c.1410G>A (p.Trp470Ter)

Gene: KLHL3 (kelch like family member 3; minus strand). Cytogenetic location: 5q31.2.
Variant type: single nucleotide variant.
Coding change: c.1410G>A on transcript NM_017415.3 (MANE Select); coding-DNA position 1410, G replaced by A.
Protein change: p.Trp470Ter; replaces tryptophan 470 with a stop codon.
Molecular consequence: nonsense.
Genome position (GRCh38, 1-based): chr5:137,634,077, C>T on the plus strand (G>A on the coding strand, the complement: KLHL3 is on the minus strand). VCF-style: chr5-137634077-C-T. GRCh37 (hg19) VCF-style: chr5-136969766-C-T.
Other names: c.1314G>A, p.Trp438Ter (NM_001257194.1); c.1164G>A, p.Trp388Ter (NM_001257195.2); short protein forms W470*, W388*, W438*.
Identifiers: ClinVar variation 100527 (VCV000100527.11), dbSNP rs199469644, ClinGen allele CA269967.